The following is an entry in ClinVar:

ClinVar aggregate classification (germline): Likely benign. Review status: criteria provided, multiple submitters, no conflicts (2 of 4 stars). 4 submissions from 4 submitters: Likely benign (4). Last evaluated 2026-01-08.

Conditions:
REST-related disorder. Also called: REST-related condition.

Allele frequency attached by ClinVar (database versions not stated): gnomAD exomes 0.00001 and 0.00002; ExAC 0.00002; TOPMed 0.00002; gnomAD 0.00003 and 0.00004.
gnomAD v4.1: 19 of 1,614,058 alleles (0.0012%); highest among the groups gnomAD compares: Non-Finnish European, 0.0016%; no homozygotes.

Submissions (4):

PreventionGenetics, part of Exact Sciences
Classification: Likely benign for REST-related condition. Last evaluated: 2026-01-08. Review status: criteria provided, single submitter. Criteria: ACMG Guidelines, 2015. Collection method: clinical testing. Allele origin: germline.
Comment: This variant is classified as likely benign based on ACMG/AMP sequence variant interpretation guidelines (Richards et al. 2015 PMID: 25741868, with internal and published modifications).

CeGaT Center for Human Genetics Tuebingen
Classification: Likely benign. Last evaluated: 2025-06-01. Review status: criteria provided, single submitter. Criteria: CeGaT Center For Human Genetics Tuebingen Variant Classification Criteria Version 2. Collection method: clinical testing. Allele origin: germline. Affected: yes. Observed: 2 variant alleles.
Comment: REST: BP4, BP7

Labcorp Genetics (formerly Invitae), Labcorp
Classification: Likely benign. Last evaluated: 2024-08-01. Review status: criteria provided, single submitter. Criteria: Invitae Variant Classification Sherloc (09022015). Collection method: clinical testing. Allele origin: germline.

Blueprint Genetics
Classification: Likely benign. Last evaluated: 2022-07-17. Review status: criteria provided, single submitter. Criteria: ACMG Guidelines, 2015. Collection method: clinical testing. Allele origin: germline.

NM_005612.5(REST):c.2823C>T (p.Asp941=)

Gene: REST (RE1 silencing transcription factor; plus strand). Cytogenetic location: 4q12.
Variant type: single nucleotide variant.
Coding change: c.2823C>T on transcript NM_005612.5 (MANE Select); coding-DNA position 2823, C replaced by T.
Protein change: p.Asp941=; no amino-acid change (aspartic acid 941 retained).
Molecular consequence: synonymous variant.
Genome position (GRCh38, 1-based): chr4:56,931,681, C>T. VCF-style: chr4-56931681-C-T. GRCh37 (hg19) VCF-style: chr4-57797847-C-T.
Other names: c.2823C>T, p.Asp941= (NM_001193508.2, NM_001363453.3); c.2823C>T (NM_005612.4).
Identifiers: ClinVar variation 1659691 (VCV001659691.20), dbSNP rs763910088, ClinGen allele CA2932561.
Genomic context (GRCh38, chr4:56,931,681, plus strand): 5'-CTCTGGACAAAACTTGAATACGCCAGAGGGTGAAACTTTAAATGGTAAACATCAGACTGA[C>T]AGTATAGTTTGTGAAATGAAAATGGACACTGATCAGAACACAAGAGAGAATCTCACTGGT-3'
Protein context (NP_005603.3, residues 931-951): GETLNGKHQT[Asp941=]SIVCEMKMDT